The following is an entry in ClinVar:

NM_025137.4(SPG11):c.374G>A (p.Cys125Tyr)

Gene: SPG11 (SPG11 vesicle trafficking associated, spatacsin; minus strand). Cytogenetic location: 15q21.1.
Variant type: single nucleotide variant.
Coding change: c.374G>A on transcript NM_025137.4 (MANE Select); coding-DNA position 374, G replaced by A.
Protein change: p.Cys125Tyr; replaces cysteine 125 with tyrosine.
Molecular consequence: missense variant.
Genome position (GRCh38, 1-based): chr15:44,660,500, C>T on the plus strand (G>A on the coding strand, the complement: SPG11 is on the minus strand). VCF-style: chr15-44660500-C-T. GRCh37 (hg19) VCF-style: chr15-44952698-C-T.
Other names: c.374G>A, p.Cys125Tyr (NM_001160227.2, NM_001411132.1); short protein forms C125Y.
Identifiers: ClinVar variation 4822168 (VCV004822168.4).
Genomic context (GRCh38, chr15:44,660,500, plus strand): 5'-TGATCGTCAATGAGCTTTTGCAATGCCTCCCTACTACAGCTATACAAAATGGTTGCATCA[C>T]ATCTTCCATCTTTCAAATTAAATTCATAGATAAGCAGTTCATAATTTTCACCAAGAGCGA-3'
Protein context (NP_079413.3, residues 115-135): IYEFNLKDGR[Cys125Tyr]DATILYSCSR

ClinVar aggregate classification (germline): Uncertain significance (1 of 4 stars; one submission).

gnomAD v4.1: 13 of 1,614,044 alleles (0.00081%); highest among the groups gnomAD compares: Admixed American, 0.0067%; no homozygotes.

Submission:

CeGaT Center for Human Genetics Tuebingen
Classification: Uncertain significance. Last evaluated: 2026-03-01. Review status: criteria provided, single submitter. Criteria: CeGaT Center For Human Genetics Tuebingen Variant Classification Criteria Version 2. Collection method: clinical testing. Allele origin: germline. Affected: yes. Observed: 1 variant allele.
Comment: SPG11: PM2, BP1